The following is an entry in ClinVar:

ClinVar aggregate classification (germline): Pathogenic (1 of 4 stars; one submission).

Conditions:
Retinoblastoma (RB1). Also called: RETINOBLASTOMA, SOMATIC. Identifiers: Orphanet 790, MedGen C0035335, MeSH D012175, MONDO:0008380, OMIM 180200, HP:0009919. Disease mechanism: loss of function. Inheritance: Both sporadic and heritable forms are tested..

Submission:

Labcorp Genetics (formerly Invitae), Labcorp
Classification: Pathogenic for Retinoblastoma. Last evaluated: 2019-08-27. Review status: criteria provided, single submitter. Criteria: Invitae Variant Classification Sherloc (09022015). Collection method: clinical testing. Allele origin: germline.
Comment: This variant has not been reported in the literature in individuals with RB1-related conditions. This variant is not present in population databases (ExAC no frequency). This sequence change creates a premature translational stop signal (p.Glu465Lysfs*13) in the RB1 gene. It is expected to result in an absent or disrupted protein product. For these reasons, this variant has been classified as Pathogenic. Loss-of-function variants in RB1 are known to be pathogenic (PMID: 17096365).

Literature cited by the submitters: PubMed 17096365.

NM_000321.3(RB1):c.1392del (p.Glu465fs)

Gene: RB1 (RB transcriptional corepressor 1; plus strand). Cytogenetic location: 13q14.2.
Variant type: Deletion.
Coding change: c.1392del on transcript NM_000321.3 (MANE Select); coding-DNA position 1392, one base deleted (A; older notation c.1392delA).
Protein change: p.Glu465fs; shifts the reading frame from glutamic acid 465.
Molecular consequence: frameshift variant.
Genome position (GRCh38, 1-based): chr13:48,380,055, A deleted; the last of 2 consecutive A bases (chr13:48,380,054-48,380,055); deleting either gives the same sequence. VCF-style (leftmost placement, unchanged base first): chr13-48380053-GA-G. GRCh37 (hg19) VCF-style: chr13-48954189-GA-G.
Other names: short protein forms E465fs.
Identifiers: ClinVar variation 954138 (VCV000954138.7), dbSNP rs1948519774, ClinGen allele CA483559244.
Genomic context (GRCh38, chr13:48,380,053, plus strand): 5'-GACACAAATAAGGTTTCAATTAAACAACTTCTTTTTTTTTTTTTAAATTATCTGTTTCAG[GA>G]AGAAGAACGATTATCCATTCAAAATTTTAGGTAAATTTTTTACTTTTAGTAAAAAATTTT-3'